The following is an entry in ClinVar:

ClinVar aggregate classification (germline): Uncertain significance. Review status: criteria provided, multiple submitters, no conflicts (2 of 4 stars). 2 submissions from 2 submitters: Uncertain significance (2). Last evaluated 2025-06-16.

Conditions:
Atrial fibrillation, familial, 18 (ATFB18). Identifiers: MedGen C4310636, MONDO:0015001, OMIM 617280.

Submissions (2):

Ambry Genetics
Classification: Uncertain significance. Last evaluated: 2025-06-16. Review status: criteria provided, single submitter. Criteria: Ambry Variant Classification Scheme 2023. Collection method: clinical testing. Allele origin: germline.

Labcorp Genetics (formerly Invitae), Labcorp
Classification: Uncertain significance for Atrial fibrillation, familial, 18. Last evaluated: 2024-10-30. Review status: criteria provided, single submitter. Criteria: Invitae Variant Classification Sherloc (09022015). Collection method: clinical testing. Allele origin: germline.
Comment: This sequence change replaces arginine, which is basic and polar, with tryptophan, which is neutral and slightly polar, at codon 83 of the MYL4 protein (p.Arg83Trp). This variant is present in population databases (rs773030593, gnomAD 0.02%). This variant has not been reported in the literature in individuals affected with MYL4-related conditions. An algorithm developed to predict the effect of missense changes on protein structure and function (PolyPhen-2) suggests that this variant is likely to be disruptive. In summary, the available evidence is currently insufficient to determine the role of this variant in disease. Therefore, it has been classified as a Variant of Uncertain Significance.

NM_002476.2(MYL4):c.247C>T (p.Arg83Trp)

Gene: MYL4 (myosin light chain 4; plus strand). Cytogenetic location: 17q21.32.
Variant type: single nucleotide variant.
Coding change: c.247C>T on transcript NM_002476.2 (MANE Select); coding-DNA position 247, C replaced by T.
Protein change: p.Arg83Trp; replaces arginine 83 with tryptophan.
Molecular consequence: missense variant.
Genome position (GRCh38, 1-based): chr17:47,219,987, C>T. VCF-style: chr17-47219987-C-T. GRCh37 (hg19) VCF-style: chr17-45297353-C-T.
Other names: c.247C>T (NM_001002841.1); c.247C>T, p.Arg83Trp (NM_001002841.2); short protein forms R83W.
Identifiers: ClinVar variation 3669412 (VCV003669412.3).